The following is an entry in ClinVar:

NM_018975.4(TERF2IP):c.267G>C (p.Glu89Asp)

Gene: TERF2IP (TERF2 interacting protein; plus strand). Cytogenetic location: 16q23.1.
Variant type: single nucleotide variant.
Coding change: c.267G>C on transcript NM_018975.4 (MANE Select); coding-DNA position 267, G replaced by C.
Protein change: p.Glu89Asp; replaces glutamic acid 89 with aspartic acid.
Molecular consequence: missense variant. On other transcripts: non-coding transcript variant (1).
Genome position (GRCh38, 1-based): chr16:75,648,149, G>C. VCF-style: chr16-75648149-G-C. GRCh37 (hg19) VCF-style: chr16-75682047-G-C.
Other names: short protein forms E89D.
Identifiers: ClinVar variation 1794673 (VCV001794673.8), dbSNP rs199614111, ClinGen allele CA284334321.

ClinVar aggregate classification (germline): Uncertain significance. Review status: criteria provided, multiple submitters, no conflicts (2 of 4 stars). 2 submissions from 2 submitters: Uncertain significance (2). Last evaluated 2024-09-02.

gnomAD v4.1: 4 of 1,564,610 alleles (0.00026%); highest among the groups gnomAD compares: African/African-American, 0.0054%; no homozygotes.

Submissions (2):

Ambry Genetics
Classification: Uncertain significance. Last evaluated: 2024-09-02. Review status: criteria provided, single submitter. Criteria: Ambry Variant Classification Scheme 2023. Collection method: clinical testing. Allele origin: germline.
Comment: The p.E89D variant (also known as c.267G>C), located in coding exon 1 of the TERF2IP gene, results from a G to C substitution at nucleotide position 267. The glutamic acid at codon 89 is replaced by aspartic acid, an amino acid with highly similar properties. This amino acid position is conserved. In addition, this alteration is predicted to be tolerated by in silico analysis. Since supporting evidence is limited at this time, the clinical significance of this alteration remains unclear.

Labcorp Genetics (formerly Invitae), Labcorp
Classification: Uncertain significance. Last evaluated: 2022-07-15. Review status: criteria provided, single submitter. Criteria: Invitae Variant Classification Sherloc (09022015). Collection method: clinical testing. Allele origin: germline.
Comment: This variant is not present in population databases (gnomAD no frequency). This sequence change replaces glutamic acid, which is acidic and polar, with aspartic acid, which is acidic and polar, at codon 89 of the TERF2IP protein (p.Glu89Asp). This variant has not been reported in the literature in individuals affected with TERF2IP-related conditions. Algorithms developed to predict the effect of missense changes on protein structure and function output the following: SIFT: "Tolerated"; PolyPhen-2: "Benign"; Align-GVGD: "Class C0". The aspartic acid amino acid residue is found in multiple mammalian species, which suggests that this missense change does not adversely affect protein function. In summary, the available evidence is currently insufficient to determine the role of this variant in disease. Therefore, it has been classified as a Variant of Uncertain Significance.